The following is an entry in ClinVar:

ClinVar aggregate classification (germline): Uncertain significance (1 of 4 stars; one submission).

Submission:

GeneDx
Classification: Uncertain significance. Last evaluated: 2025-06-13. Review status: criteria provided, single submitter. Criteria: GeneDx Variant Classification Process June 2021. Collection method: clinical testing. Allele origin: germline. Affected: yes.
Comment: Not observed at significant frequency in large population cohorts (gnomAD); In-frame duplication of 8 amino acids in a non-repeat region; Has not been previously published as pathogenic or benign to our knowledge

NM_001145308.5(LRTOMT):c.382_405dup (p.Val135_Leu136insGluGluLysAlaProAlaCysVal)

Genes: ANAPC15 (anaphase promoting complex subunit 15; minus strand), LRTOMT (leucine rich transmembrane and O-methyltransferase domain containing; plus strand), TOMT (transmembrane O-methyltransferase; plus strand). Cytogenetic location: 11q13.4.
Variant type: Duplication.
Coding change: c.382_405dup on transcript NM_001145308.5; coding-DNA positions 382 to 405, 24 bases duplicated (GAGGAGAAGGCCCCTGCTTGTGTG).
Protein change: p.Val135_Leu136insGluGluLysAlaProAlaCysVal.
Molecular consequence: inframe insertion. On other transcripts: 3 prime UTR variant (3), non-coding transcript variant (1), intron variant (7).
Genome position (GRCh38, 1-based): chr11:72,107,946-72,107,969, GAGGAGAAGGCCCCTGCTTGTGTG duplicated; duplicating any 24 consecutive bases within chr11:72,107,943-72,107,969 gives the same sequence; the c. name uses the placement nearest the transcript's 3' end. VCF-style (leftmost placement, unchanged base first): chr11-72107942-G-GGTGGAGGAGAAGGCCCCTGCTTGT. GRCh37 (hg19) VCF-style: chr11-71818988-G-GGTGGAGGAGAAGGCCCCTGCTTGT.
Other names: c.283_306dup, p.Val102_Leu103insGluGluLysAlaProAlaCysVal (NM_001393500.2); c.382_405dup, p.Val135_Leu136insGluGluLysAlaProAlaCysVal (NM_001145309.4); c.262_285dup, p.Val95_Leu96insGluGluLysAlaProAlaCysVal (NM_001145310.4); c.*853_*876dup (NM_001393443.1, NM_001393444.1, NM_001393445.1); c.64-361_64-338dup (NM_001393459.1); c.319-361_319-338dup (NM_001393430.1, NM_001393429.1, NM_001393428.1 and 3 more transcripts).
Identifiers: ClinVar variation 4537521 (VCV004537521.1).